The following is an entry in ClinVar:

NM_014233.4(UBTF):c.540-9C>G

Genes: ATXN7L3-AS1 (ATXN7L3 antisense RNA 1; plus strand), UBTF (upstream binding transcription factor; minus strand). Cytogenetic location: 17q21.31.
Variant type: single nucleotide variant.
Coding change: c.540-9C>G on transcript NM_014233.4 (MANE Select); 9 bases into the intron before coding-DNA position 540, C replaced by G.
Molecular consequence: intron variant.
Genome position (GRCh38, 1-based): chr17:44,212,948, G>C on the plus strand (C>G on the coding strand, the complement: UBTF is on the minus strand). VCF-style: chr17-44212948-G-C. GRCh37 (hg19) VCF-style: chr17-42290316-G-C.
Other names: NC_000017.10:g.42290316G>C; c.540-9C>G (NM_001076683.2, NM_001076684.3).
Identifiers: ClinVar variation 3345580 (VCV003345580.3).
Genomic context (GRCh38, chr17:44,212,948, plus strand): 5'-CTCTGGGATGTCCGATTTCTTGGCATTCTGGATTAGGTCGGGGTGATCCTCCCTAGCCAG[G>C]ACACGGGGAGCAAGGATCAGCAGGGGACGCTGCCAGGGCAGACTCAAGCTAGCTGCCCCA-3'

ClinVar aggregate classification (germline): Likely benign. Review status: criteria provided, single submitter (1 of 4 stars). 2 submissions from 2 submitters: Likely benign (1). 1 of the submissions does not count toward it. Last evaluated 2024-09-09.

Conditions:
UBTF-related disorder. Also called: UBTF-related condition.

gnomAD v4.1: 369 of 1,613,684 alleles (0.023%); highest among the groups gnomAD compares: African/African-American, 0.42%; 2 homozygotes.

Submissions (3):

Blueprint Genetics
Classification: Likely benign. Last evaluated: 2024-09-09. Review status: criteria provided, single submitter. Criteria: ACMG Guidelines, 2015. Collection method: clinical testing. Allele origin: germline.

PreventionGenetics, part of Exact Sciences
Classification: Benign for UBTF-related condition. Last evaluated: 2024-03-14. Review status: no assertion criteria provided. Collection method: clinical testing. Allele origin: germline. Not counted in ClinVar's aggregate classification.
Comment: This variant is classified as benign based on ACMG/AMP sequence variant interpretation guidelines (Richards et al. 2015 PMID: 25741868, with internal and published modifications).

Dr. Peter K. Rogan Lab, Western University
No classification provided (evidence only). Condition: Ovarian serous cystadenocarcinoma. Review status: no classification provided. Collection method: in vitro. Allele origin: not applicable. Functional consequence: retained intron. Not counted in ClinVar's aggregate classification.